The following is an entry in ClinVar:

NM_007373.4(SHOC2):c.378_382del (p.Glu127fs)

Gene: SHOC2 (SHOC2 leucine rich repeat scaffold protein; plus strand). Cytogenetic location: 10q25.2.
Variant type: Deletion.
Coding change: c.378_382del on transcript NM_007373.4 (MANE Select); coding-DNA positions 378 to 382, 5 bases deleted (AGAAC; older notation c.378_382delAGAAC).
Protein change: p.Glu127fs; shifts the reading frame from glutamic acid 127.
Molecular consequence: frameshift variant.
Genome position (GRCh38, 1-based): chr10:110,964,736-110,964,740, AGAAC deleted; deleting any 5 consecutive bases within chr10:110,964,733-110,964,740 gives the same sequence; the c. name uses the placement nearest the transcript's 3' end. VCF-style (leftmost placement, unchanged base first): chr10-110964732-TAACAG-T. GRCh37 (hg19) VCF-style: chr10-112724490-TAACAG-T.
Other names: c.378_382del, p.Glu127fs (NM_001269039.3, NM_001324336.2, NM_001324337.2); short protein forms E127fs.
Identifiers: ClinVar variation 3644839 (VCV003644839.2).

ClinVar aggregate classification (germline): Uncertain significance (1 of 4 stars; one submission).

Conditions:
RASopathy. Also called: Noonan spectrum disorder; rasopathies. Identifiers: Orphanet 536391, MedGen C5555857, MONDO:0021060.

Submission:

Labcorp Genetics (formerly Invitae), Labcorp
Classification: Uncertain significance for RASopathy. Last evaluated: 2024-03-07. Review status: criteria provided, single submitter. Criteria: Invitae Variant Classification Sherloc (09022015). Collection method: clinical testing. Allele origin: germline.
Comment: This sequence change creates a premature translational stop signal (p.Glu127Leufs*5) in the SHOC2 gene. It is expected to result in an absent or disrupted protein product. However, the current clinical and genetic evidence is not sufficient to establish whether loss-of-function variants in SHOC2 cause disease. This variant is not present in population databases (gnomAD no frequency). This variant has not been reported in the literature in individuals affected with SHOC2-related conditions. In summary, the available evidence is currently insufficient to determine the role of this variant in disease. Therefore, it has been classified as a Variant of Uncertain Significance.